The following is an entry in ClinVar:

ClinVar aggregate classification (germline): Uncertain significance (1 of 4 stars; one submission).

Conditions:
Congenital contractural arachnodactyly (CCA). Also called: Arthrogryposis, distal, type 9; BEALS SYNDROME; Beals-Hecht syndrome. Identifiers: Orphanet 115, MedGen C0220668, MONDO:0007363, OMIM 121050.

gnomAD v4.1: 2 of 1,614,114 alleles (0.00012%); highest among the groups gnomAD compares: Non-Finnish European, 0.00017%; no homozygotes.

Submission:

Labcorp Genetics (formerly Invitae), Labcorp
Classification: Uncertain significance for Congenital contractural arachnodactyly. Last evaluated: 2024-11-18. Review status: criteria provided, single submitter. Criteria: Invitae Variant Classification Sherloc (09022015). Collection method: clinical testing. Allele origin: germline.
Comment: This sequence change replaces threonine, which is neutral and polar, with serine, which is neutral and polar, at codon 724 of the FBN2 protein (p.Thr724Ser). This variant is not present in population databases (gnomAD no frequency). This variant has not been reported in the literature in individuals affected with FBN2-related conditions. Invitae Evidence Modeling of protein sequence and biophysical properties (such as structural, functional, and spatial information, amino acid conservation, physicochemical variation, residue mobility, and thermodynamic stability) indicates that this missense variant is not expected to disrupt FBN2 protein function with a negative predictive value of 80%. In summary, the available evidence is currently insufficient to determine the role of this variant in disease. Therefore, it has been classified as a Variant of Uncertain Significance.

NM_001999.4(FBN2):c.2170A>T (p.Thr724Ser)

Gene: FBN2 (fibrillin 2; minus strand). Cytogenetic location: 5q23.3.
Variant type: single nucleotide variant.
Coding change: c.2170A>T on transcript NM_001999.4 (MANE Select); coding-DNA position 2170, A replaced by T.
Protein change: p.Thr724Ser; replaces threonine 724 with serine.
Molecular consequence: missense variant.
Genome position (GRCh38, 1-based): chr5:128,369,260, T>A on the plus strand (A>T on the coding strand, the complement: FBN2 is on the minus strand). VCF-style: chr5-128369260-T-A. GRCh37 (hg19) VCF-style: chr5-127704953-T-A.
Other names: short protein forms T724S.
Identifiers: ClinVar variation 3717507 (VCV003717507.2).